The following is an entry in ClinVar:

ClinVar aggregate classification (germline): Uncertain significance (1 of 4 stars; one submission).

Conditions:
Congenital myotonia, autosomal dominant form (THD). Also called: THOMSEN DISEASE; Myotonia congenita autosomal dominant. Identifiers: Orphanet 614, MedGen C2936781, MONDO:0008055, OMIM 160800.
Congenital myotonia, autosomal recessive form. Also called: Becker Generalized Myotonia; myotonia congenita, autosomal recessive; BECKER DISEASE. Identifiers: Orphanet 614, MedGen C0751360, MONDO:0009715, OMIM 255700.

Allele frequency attached by ClinVar (database versions not stated): gnomAD 0.00001 and 0.00003; TOPMed 0.00001; gnomAD exomes 0.00003 and 0.00007; ExAC 0.00007.
gnomAD v4.1: 52 of 1,613,436 alleles (0.0032%); highest among the groups gnomAD compares: South Asian, 0.04%; no homozygotes.

Submission:

Labcorp Genetics (formerly Invitae), Labcorp
Classification: Uncertain significance for Congenital myotonia, autosomal recessive form; Congenital myotonia, autosomal dominant form. Last evaluated: 2025-08-18. Review status: criteria provided, single submitter. Criteria: Invitae Variant Classification Sherloc (09022015). Collection method: clinical testing. Allele origin: germline.
Comment: This sequence change replaces serine, which is neutral and polar, with asparagine, which is neutral and polar, at codon 240 of the CLCN1 protein (p.Ser240Asn). This variant is present in population databases (rs758767069, gnomAD 0.06%). This variant has not been reported in the literature in individuals affected with CLCN1-related conditions. ClinVar contains an entry for this variant (Variation ID: 1058312). Invitae Evidence Modeling of protein sequence and biophysical properties (such as structural, functional, and spatial information, amino acid conservation, physicochemical variation, residue mobility, and thermodynamic stability) indicates that this missense variant is expected to disrupt CLCN1 protein function with a positive predictive value of 95%. In summary, the available evidence is currently insufficient to determine the role of this variant in disease. Therefore, it has been classified as a Variant of Uncertain Significance.

NM_000083.3(CLCN1):c.719G>A (p.Ser240Asn)

Gene: CLCN1 (chloride voltage-gated channel 1; plus strand). Cytogenetic location: 7q34.
Variant type: single nucleotide variant.
Coding change: c.719G>A on transcript NM_000083.3 (MANE Select); coding-DNA position 719, G replaced by A.
Protein change: p.Ser240Asn; replaces serine 240 with asparagine.
Molecular consequence: missense variant. On other transcripts: non-coding transcript variant (1).
Genome position (GRCh38, 1-based): chr7:143,323,331, G>A. VCF-style: chr7-143323331-G-A. GRCh37 (hg19) VCF-style: chr7-143020424-G-A.
Other names: short protein forms S240N.
Identifiers: ClinVar variation 1058312 (VCV001058312.7), dbSNP rs758767069, ClinGen allele CA4537062.